The following is an entry in ClinVar:

ClinVar aggregate classification (germline): Likely benign (1 of 4 stars; one submission).

gnomAD v4.1: 1,225 of 1,613,190 alleles (0.076%); highest among the groups gnomAD compares: African/African-American, 1.2%; 8 homozygotes.

Submission:

CeGaT Center for Human Genetics Tuebingen
Classification: Likely benign. Last evaluated: 2024-09-01. Review status: criteria provided, single submitter. Criteria: CeGaT Center For Human Genetics Tuebingen Variant Classification Criteria Version 2. Collection method: clinical testing. Allele origin: germline. Affected: yes. Observed: 1 variant allele.
Comment: MPP7: BP4, BP7, BS1

NM_001318170.2(MPP7):c.1128C>T (p.Pro376=)

Gene: MPP7 (MAGUK p55 scaffold protein 7; minus strand). Cytogenetic location: 10p12.1.
Variant type: single nucleotide variant.
Coding change: c.1128C>T on transcript NM_001318170.2 (MANE Select); coding-DNA position 1128, C replaced by T.
Protein change: p.Pro376=; no amino-acid change (proline 376 retained).
Molecular consequence: synonymous variant. On other transcripts: non-coding transcript variant (2).
Genome position (GRCh38, 1-based): chr10:28,069,848, G>A on the plus strand (C>T on the coding strand, the complement: MPP7 is on the minus strand). VCF-style: chr10-28069848-G-A. GRCh37 (hg19) VCF-style: chr10-28358777-G-A.
Other names: c.1128C>T, p.Pro376= (NM_173496.5).
Identifiers: ClinVar variation 3388156 (VCV003388156.14).